The following is an entry in ClinVar:

ClinVar aggregate classification (germline): Uncertain significance (1 of 4 stars; one submission).

Conditions:
Progressive familial heart block type IB (PFHB1B). Identifiers: Orphanet 871, MedGen C1970298, MONDO:0011474, OMIM 604559.

gnomAD v4.1: 1 of 1,614,044 alleles (0.000062%); highest among the groups gnomAD compares: East Asian, 0.0022%; no homozygotes.

Submission:

Labcorp Genetics (formerly Invitae), Labcorp
Classification: Uncertain significance for Progressive familial heart block type IB. Last evaluated: 2025-03-05. Review status: criteria provided, single submitter. Criteria: Invitae Variant Classification Sherloc (09022015). Collection method: clinical testing. Allele origin: germline.
Comment: This sequence change replaces isoleucine, which is neutral and non-polar, with valine, which is neutral and non-polar, at codon 271 of the TRPM4 protein (p.Ile271Val). This variant is not present in population databases (gnomAD no frequency). This variant has not been reported in the literature in individuals affected with TRPM4-related conditions. An algorithm developed to predict the effect of missense changes on protein structure and function (PolyPhen-2) suggests that this variant is likely to be tolerated. In summary, the available evidence is currently insufficient to determine the role of this variant in disease. Therefore, it has been classified as a Variant of Uncertain Significance.

NM_017636.4(TRPM4):c.811A>G (p.Ile271Val)

Gene: TRPM4 (transient receptor potential cation channel subfamily M member 4; plus strand). Cytogenetic location: 19q13.33.
Variant type: single nucleotide variant.
Coding change: c.811A>G on transcript NM_017636.4 (MANE Select); coding-DNA position 811, A replaced by G.
Protein change: p.Ile271Val; replaces isoleucine 271 with valine.
Molecular consequence: missense variant. On other transcripts: 5 prime UTR variant (2).
Genome position (GRCh38, 1-based): chr19:49,171,371, A>G. VCF-style: chr19-49171371-A-G. GRCh37 (hg19) VCF-style: chr19-49674628-A-G.
Other names: c.811A>G, p.Ile271Val (NM_001195227.2); c.466A>G, p.Ile156Val (NM_001321281.2); c.-743A>G (NM_001321282.2); c.289A>G, p.Ile97Val (NM_001321283.2); c.-39A>G (NM_001321285.2); short protein forms I156V, I271V, I97V.
Identifiers: ClinVar variation 3722246 (VCV003722246.2).
Genomic context (GRCh38, chr19:49,171,371, plus strand): 5'-AAAGGCTGATGGGAGGTAATCAAGCCCCCTTCTCTTCTTGCCTCAGGGACTGGAATTGAC[A>G]TCCCTGTCCTGCTCCTCCTGATTGATGGTGATGAGAAGATGTTGACGGTATAGGGGCCCG-3'
Protein context (NP_060106.2, residues 261-281): KTGVGGTGID[Ile271Val]PVLLLLIDGD